The following is an entry in ClinVar:

NM_001145715.3(KPNA7):c.1351T>C (p.Cys451Arg)

Gene: KPNA7 (karyopherin subunit alpha 7; minus strand). Cytogenetic location: 7q22.1.
Variant type: single nucleotide variant.
Coding change: c.1351T>C on transcript NM_001145715.3 (MANE Select); coding-DNA position 1351, T replaced by C.
Protein change: p.Cys451Arg; replaces cysteine 451 with arginine.
Molecular consequence: missense variant.
Genome position (GRCh38, 1-based): chr7:99,178,033, A>G on the plus strand (T>C on the coding strand, the complement: KPNA7 is on the minus strand). VCF-style: chr7-99178033-A-G. GRCh37 (hg19) VCF-style: chr7-98775656-A-G.
Other names: short protein forms C451R.
Identifiers: ClinVar variation 657070 (VCV000657070.8), dbSNP rs544712598, ClinGen allele CA4363103.

ClinVar aggregate classification (germline): Uncertain significance. Review status: criteria provided, multiple submitters, no conflicts (2 of 4 stars). 2 submissions from 2 submitters: Uncertain significance (2). Last evaluated 2025-06-24.

Allele frequency attached by ClinVar (database versions not stated): TOPMed below 0.00001; gnomAD 0.00005 and below 0.00001; gnomAD exomes 0.00007 and 0.00017; 1000 Genomes Project 30x 0.00016; 1000 Genomes Project 0.00020; ExAC 0.00041.
gnomAD v4.1: 108 of 1,551,692 alleles (0.007%); highest among the groups gnomAD compares: South Asian, 0.12%; 2 homozygotes.

Submissions (2):

Ambry Genetics
Classification: Uncertain significance. Last evaluated: 2025-06-24. Review status: criteria provided, single submitter. Criteria: Ambry Variant Classification Scheme 2023. Collection method: clinical testing. Allele origin: germline.

Labcorp Genetics (formerly Invitae), Labcorp
Classification: Uncertain significance. Last evaluated: 2022-07-23. Review status: criteria provided, single submitter. Criteria: Invitae Variant Classification Sherloc (09022015). Collection method: clinical testing. Allele origin: germline.
Comment: This sequence change replaces cysteine, which is neutral and slightly polar, with arginine, which is basic and polar, at codon 451 of the KPNA7 protein (p.Cys451Arg). This variant is present in population databases (rs544712598, gnomAD 0.1%). This variant has not been reported in the literature in individuals affected with KPNA7-related conditions. ClinVar contains an entry for this variant (Variation ID: 657070). Algorithms developed to predict the effect of missense changes on protein structure and function (SIFT, PolyPhen-2, Align-GVGD) all suggest that this variant is likely to be tolerated. In summary, the available evidence is currently insufficient to determine the role of this variant in disease. Therefore, it has been classified as a Variant of Uncertain Significance.